The following is an entry in ClinVar:

NM_170784.3(MKKS):c.628A>G (p.Ile210Val)

Gene: MKKS (MKKS centrosomal shuttling protein; minus strand). Cytogenetic location: 20p12.2.
Variant type: single nucleotide variant.
Coding change: c.628A>G on transcript NM_170784.3 (MANE Select); coding-DNA position 628, A replaced by G.
Protein change: p.Ile210Val; replaces isoleucine 210 with valine.
Molecular consequence: missense variant.
Genome position (GRCh38, 1-based): chr20:10,412,887, T>C on the plus strand (A>G on the coding strand, the complement: MKKS is on the minus strand). VCF-style: chr20-10412887-T-C. GRCh37 (hg19) VCF-style: chr20-10393535-T-C.
Other names: c.628A>G, p.Ile210Val (NM_018848.3); short protein forms I210V.
Identifiers: ClinVar variation 1991196 (VCV001991196.4), dbSNP rs779130798, ClinGen allele CA9763654.

ClinVar aggregate classification (germline): Conflicting classifications of pathogenicity. Review status: criteria provided, conflicting classifications (1 of 4 stars). 2 submissions from 2 submitters: Uncertain significance (1); Likely benign (1). Last evaluated 2022-07-15.

Conditions:
Bardet-Biedl syndrome (BBS). Identifiers: Orphanet 110, MedGen C0752166, MONDO:0015229.
McKusick-Kaufman syndrome (MKKS). Also called: HYDROMETROCOLPOS SYNDROME; HYDROMETROCOLPOS, POSTAXIAL POLYDACTYLY, AND CONGENITAL HEART MALFORMATION. Identifiers: Orphanet 2473, MedGen C0948368, MONDO:0009367, OMIM 236700.

Allele frequency attached by ClinVar (database versions not stated): ExAC 0.00002.
gnomAD v4.1: 6 of 1,614,118 alleles (0.00037%); highest among the groups gnomAD compares: South Asian, 0.0022%; 1 homozygote.

Submissions (2):

Blueprint Genetics
Classification: Likely benign. Last evaluated: 2022-07-15. Review status: criteria provided, single submitter. Criteria: ACMG Guidelines, 2015. Collection method: clinical testing. Allele origin: germline.

Labcorp Genetics (formerly Invitae), Labcorp
Classification: Uncertain significance for McKusick-Kaufman syndrome; Bardet-Biedl syndrome. Last evaluated: 2022-01-03. Review status: criteria provided, single submitter. Criteria: Invitae Variant Classification Sherloc (09022015). Collection method: clinical testing. Allele origin: germline.
Comment: This sequence change replaces isoleucine, which is neutral and non-polar, with valine, which is neutral and non-polar, at codon 210 of the MKKS protein (p.Ile210Val). This variant is present in population databases (rs779130798, gnomAD 0.002%). This variant has not been reported in the literature in individuals affected with MKKS-related conditions. Algorithms developed to predict the effect of missense changes on protein structure and function output the following: SIFT: "Tolerated"; PolyPhen-2: "Benign"; Align-GVGD: "Class C0". The valine amino acid residue is found in multiple mammalian species, which suggests that this missense change does not adversely affect protein function. In summary, the available evidence is currently insufficient to determine the role of this variant in disease. Therefore, it has been classified as a Variant of Uncertain Significance.